The following is an entry in ClinVar:

NM_020638.3(FGF23):c.64C>T (p.Leu22Phe)

Gene: FGF23 (fibroblast growth factor 23; minus strand). Cytogenetic location: 12p13.32.
Variant type: single nucleotide variant.
Coding change: c.64C>T on transcript NM_020638.3 (MANE Select); coding-DNA position 64, C replaced by T.
Protein change: p.Leu22Phe; replaces leucine 22 with phenylalanine.
Molecular consequence: missense variant.
Genome position (GRCh38, 1-based): chr12:4,379,519, G>A on the plus strand (C>T on the coding strand, the complement: FGF23 is on the minus strand). VCF-style: chr12-4379519-G-A. GRCh37 (hg19) VCF-style: chr12-4488685-G-A.
Other names: short protein forms L22F.
Identifiers: ClinVar variation 1025781 (VCV001025781.10), dbSNP rs376694108, ClinGen allele CA6395787.

ClinVar aggregate classification (germline): Uncertain significance. Review status: criteria provided, multiple submitters, no conflicts (2 of 4 stars). 2 submissions from 2 submitters: Uncertain significance (2). Last evaluated 2024-01-03.

Conditions:
Autosomal dominant hypophosphatemic rickets (ADHR). Also called: HYPOPHOSPHATEMIA, AUTOSOMAL DOMINANT; VITAMIN D-RESISTANT RICKETS, AUTOSOMAL DOMINANT. Identifiers: Orphanet 89937, MedGen C0342642, MONDO:0008660, OMIM 193100.
Tumoral calcinosis, hyperphosphatemic, familial, 2. Identifiers: MedGen C4693863, MONDO:0060714, OMIM 617993.

Allele frequency attached by ClinVar (database versions not stated): gnomAD exomes 0.00001 and 0.00002; TOPMed 0.00002; ExAC 0.00003; gnomAD 0.00003; ESP Exome Variant Server 0.00008.
gnomAD v4.1: 17 of 1,612,512 alleles (0.0011%); highest among the groups gnomAD compares: Non-Finnish European, 0.0014%; no homozygotes.

Submissions (2):

Fulgent Genetics
Classification: Uncertain significance for Autosomal dominant hypophosphatemic rickets; Tumoral calcinosis, hyperphosphatemic, familial, 2. Last evaluated: 2024-01-03. Review status: criteria provided, single submitter. Criteria: ACMG Guidelines, 2015. Collection method: clinical testing. Allele origin: germline.

Labcorp Genetics (formerly Invitae), Labcorp
Classification: Uncertain significance. Last evaluated: 2022-08-16. Review status: criteria provided, single submitter. Criteria: Invitae Variant Classification Sherloc (09022015). Collection method: clinical testing. Allele origin: germline.
Comment: In summary, the available evidence is currently insufficient to determine the role of this variant in disease. Therefore, it has been classified as a Variant of Uncertain Significance. Algorithms developed to predict the effect of missense changes on protein structure and function (SIFT, PolyPhen-2, Align-GVGD) all suggest that this variant is likely to be tolerated. ClinVar contains an entry for this variant (Variation ID: 1025781). This variant has not been reported in the literature in individuals affected with FGF23-related conditions. This variant is present in population databases (rs376694108, gnomAD 0.004%). This sequence change replaces leucine, which is neutral and non-polar, with phenylalanine, which is neutral and non-polar, at codon 22 of the FGF23 protein (p.Leu22Phe).